The following is an entry in ClinVar:

NM_001999.4(FBN2):c.1465+271A>G

Gene: FBN2 (fibrillin 2; minus strand). Cytogenetic location: 5q23.3.
Variant type: single nucleotide variant.
Coding change: c.1465+271A>G on transcript NM_001999.4 (MANE Select); 271 bases into the intron after coding-DNA position 1465, A replaced by G.
Molecular consequence: intron variant.
Genome position (GRCh38, 1-based): chr5:128,392,864, T>C on the plus strand (A>G on the coding strand, the complement: FBN2 is on the minus strand). VCF-style: chr5-128392864-T-C. GRCh37 (hg19) VCF-style: chr5-127728557-T-C.
Identifiers: ClinVar variation 669984 (VCV000669984.1), dbSNP rs76462170, ClinGen allele CA127033450.
Genomic context (GRCh38, chr5:128,392,864, plus strand): 5'-TTTTGGTGGTGTCAACTGGATTGGAGTATTACTGGGCTCTCATATGTATTTGCGAAGACC[T>C]GGGTCACACATTCTTTTCTCTAATTTAACAGAAAGTTTACAGAACATAAAAGTAATATTT-3'

ClinVar aggregate classification (germline): Likely benign (1 of 4 stars; one submission).

Allele frequency attached by ClinVar (database versions not stated): gnomAD 0.01561 and 0.01675; TOPMed 0.02365; 1000 Genomes Project 0.03215; 1000 Genomes Project 30x 0.03264.
gnomAD v4.1: 2,540 of 152,294 alleles (1.7%); highest among the groups gnomAD compares: Admixed American, 9.6%; 114 homozygotes.

Submission:

GeneDx
Classification: Likely benign. Last evaluated: 2018-06-14. Review status: criteria provided, single submitter. Criteria: GeneDx Variant Classification (06012015). Collection method: clinical testing. Allele origin: germline. Affected: yes.
Comment: This variant is considered likely benign or benign based on one or more of the following criteria: it is a conservative change, it occurs at a poorly conserved position in the protein, it is predicted to be benign by multiple in silico algorithms, and/or has population frequency not consistent with disease.